The following is an entry in ClinVar:

NM_014141.6(CNTNAP2):c.3541A>G (p.Arg1181Gly)

Gene: CNTNAP2 (contactin associated protein 2; plus strand). Cytogenetic location: 7q36.1.
Variant type: single nucleotide variant.
Coding change: c.3541A>G on transcript NM_014141.6 (MANE Select); coding-DNA position 3541, A replaced by G.
Protein change: p.Arg1181Gly; replaces arginine 1181 with glycine.
Molecular consequence: missense variant.
Genome position (GRCh38, 1-based): chr7:148,383,714, A>G. VCF-style: chr7-148383714-A-G. GRCh37 (hg19) VCF-style: chr7-148080806-A-G.
Other names: p.Arg1181Gly; short protein forms R1181G.
Identifiers: ClinVar variation 2148615 (VCV002148615.5), dbSNP rs776243177, ClinGen allele CA4546693.

ClinVar aggregate classification (germline): Uncertain significance. Review status: criteria provided, multiple submitters, no conflicts (2 of 4 stars). 2 submissions from 2 submitters: Uncertain significance (2). Last evaluated 2024-12-02.

Conditions:
Cortical dysplasia-focal epilepsy syndrome (PTHSL1). Also called: Pitt-Hopkins-like syndrome 1. Identifiers: Orphanet 163681, Orphanet 221150, MedGen C2750246, MONDO:0012400, OMIM 610042.

Allele frequency attached by ClinVar (database versions not stated): ExAC 0.00001; gnomAD 0.00001; gnomAD exomes 0.00001; TOPMed 0.00001.
gnomAD v4.1: 14 of 1,614,104 alleles (0.00087%); highest among the groups gnomAD compares: South Asian, 0.0011%; no homozygotes.

Submissions (2):

Labcorp Genetics (formerly Invitae), Labcorp
Classification: Uncertain significance for Cortical dysplasia-focal epilepsy syndrome. Last evaluated: 2024-12-02. Review status: criteria provided, single submitter. Criteria: Invitae Variant Classification Sherloc (09022015). Collection method: clinical testing. Allele origin: germline.
Comment: This sequence change replaces arginine, which is basic and polar, with glycine, which is neutral and non-polar, at codon 1181 of the CNTNAP2 protein (p.Arg1181Gly). This variant is present in population databases (rs776243177, gnomAD 0.002%). This variant has not been reported in the literature in individuals affected with CNTNAP2-related conditions. ClinVar contains an entry for this variant (Variation ID: 2148615). An algorithm developed to predict the effect of missense changes on protein structure and function (PolyPhen-2) suggests that this variant is likely to be tolerated. In summary, the available evidence is currently insufficient to determine the role of this variant in disease. Therefore, it has been classified as a Variant of Uncertain Significance.

Mayo Clinic Laboratories, Mayo Clinic
Classification: Uncertain significance. Last evaluated: 2023-07-10. Review status: criteria provided, single submitter. Criteria: ACMG Guidelines, 2015. Collection method: clinical testing. Allele origin: germline. Observed: 1 variant allele.
Comment: PM2_moderate